The following is an entry in ClinVar:

NM_006941.4(SOX10):c.918C>T (p.His306=)

Genes: POLR2F (RNA polymerase II, I and III subunit F; plus strand), SOX10 (SRY-box transcription factor 10; minus strand). Cytogenetic location: 22q13.1.
Variant type: single nucleotide variant.
Coding change: c.918C>T on transcript NM_006941.4 (MANE Select); coding-DNA position 918, C replaced by T.
Protein change: p.His306=; no amino-acid change (histidine 306 retained).
Molecular consequence: synonymous variant. On other transcripts: intron variant (3).
Genome position (GRCh38, 1-based): chr22:37,973,978, G>A on the plus strand (C>T on the coding strand, the complement: SOX10 is on the minus strand). VCF-style: chr22-37973978-G-A. GRCh37 (hg19) VCF-style: chr22-38369985-G-A.
Other names: p.His306=; c.*38+1668G>A (NM_001363825.1); c.293+6808G>A (NM_001301130.2, NM_001301131.2).
Identifiers: ClinVar variation 733585 (VCV000733585.10), dbSNP rs200226880, ClinGen allele CA10228567.
Genomic context (GRCh38, chr22:37,973,978, plus strand): 5'-CACGGCCAGGGCACTGCCCAGCCCATAGCCGGCTGCTGAGTAGCTGCTCACATGGCCTGG[G>A]TGCCCATTGGGCGGCAGGTACTGGTCCAACTCAGCCACATCAAAGGTCTCCATGTTGGAC-3'
Protein context (NP_008872.1, residues 296-316): ELDQYLPPNG[His306=]PGHVSSYSAA

ClinVar aggregate classification (germline): Conflicting classifications of pathogenicity. Review status: criteria provided, conflicting classifications (1 of 4 stars). 4 submissions from 3 submitters: Uncertain significance (2); Likely benign (2). Last evaluated 2025-12-13.

Conditions:
Waardenburg syndrome. Also called: Waardenburg's syndrome. Identifiers: Orphanet 3440, MedGen C3266898, MONDO:0018094.
PCWH syndrome. Also called: WAARDENBURG-SHAH SYNDROME, NEUROLOGIC VARIANT. Identifiers: Orphanet 163746, MedGen C1836727, MONDO:0012198, OMIM 609136.

Allele frequency attached by ClinVar (database versions not stated): gnomAD exomes 0.00002 and 0.00005; ExAC 0.00003; TOPMed 0.00005; ESP Exome Variant Server 0.00023; gnomAD 0.00007.
gnomAD v4.1: 87 of 1,612,322 alleles (0.0054%); highest among the groups gnomAD compares: Non-Finnish European, 0.0069%; no homozygotes.

Submissions (4):

Labcorp Genetics (formerly Invitae), Labcorp
Classification: Likely benign. Last evaluated: 2025-12-13. Review status: criteria provided, single submitter. Criteria: Invitae Variant Classification Sherloc (09022015). Collection method: clinical testing. Allele origin: germline.

Mayo Clinic Laboratories, Mayo Clinic
Classification: Likely benign. Last evaluated: 2025-05-02. Review status: criteria provided, single submitter. Criteria: ACMG Guidelines, 2015. Collection method: clinical testing. Allele origin: germline. Observed: 1 variant allele.
Comment: BP4, BP7

Illumina Laboratory Services, Illumina
Classification: Uncertain significance for Waardenburg syndrome. Last evaluated: 2018-01-12. Review status: criteria provided, single submitter. Criteria: ICSL Variant Classification Criteria 13 December 2019. Collection method: clinical testing. Allele origin: germline.

Illumina Laboratory Services, Illumina
Classification: Uncertain significance for PCWH syndrome. Last evaluated: 2018-01-12. Review status: criteria provided, single submitter. Criteria: ICSL Variant Classification Criteria 13 December 2019. Collection method: clinical testing. Allele origin: germline.